The following is an entry in ClinVar:

ClinVar aggregate classification (germline): Conflicting classifications of pathogenicity. Review status: criteria provided, conflicting classifications (1 of 4 stars). 7 submissions from 7 submitters: Uncertain significance (5); Likely benign (1). 1 of the submissions does not count toward it. Last evaluated 2026-01-12.

Conditions:
RECQL4-related disorder. Also called: RECQL4-related condition; RECQL4-related disorders.
Rothmund-Thomson syndrome type 2 (RTS2). Identifiers: Orphanet 221016, MedGen C5203410, MONDO:0016369, OMIM 268400.
Inborn genetic diseases. Identifiers: MedGen C0950123, MeSH D030342.
Baller-Gerold syndrome (BGS). Also called: CRANIOSYNOSTOSIS WITH RADIAL DEFECTS. Identifiers: Orphanet 1225, MedGen C0265308, MONDO:0009039, OMIM 218600.

Allele frequency attached by ClinVar (database versions not stated): gnomAD exomes 0.00008; ExAC 0.00013; ESP Exome Variant Server 0.00016; gnomAD 0.00045 and 0.00046; TOPMed 0.00048; 1000 Genomes Project 0.00080; 1000 Genomes Project 30x 0.00094.
gnomAD v4.1: 103 of 1,612,984 alleles (0.0064%); highest among the groups gnomAD compares: African/African-American, 0.11%; no homozygotes.

Submissions (7):

Labcorp Genetics (formerly Invitae), Labcorp
Classification: Uncertain significance for Baller-Gerold syndrome. Last evaluated: 2026-01-12. Review status: criteria provided, single submitter. Criteria: Invitae Variant Classification Sherloc (09022015). Collection method: clinical testing. Allele origin: germline.
Comment: This sequence change replaces glycine, which is neutral and non-polar, with valine, which is neutral and non-polar, at codon 387 of the RECQL4 protein (p.Gly387Val). This variant is present in population databases (rs369815468, gnomAD 0.1%). This variant has not been reported in the literature in individuals affected with RECQL4-related conditions. ClinVar contains an entry for this variant (Variation ID: 406906). Invitae Evidence Modeling of protein sequence and biophysical properties (such as structural, functional, and spatial information, amino acid conservation, physicochemical variation, residue mobility, and thermodynamic stability) indicates that this missense variant is not expected to disrupt RECQL4 protein function with a negative predictive value of 80%. In summary, the available evidence is currently insufficient to determine the role of this variant in disease. Therefore, it has been classified as a Variant of Uncertain Significance.

Ambry Genetics
Classification: Likely benign for Inborn genetic diseases. Last evaluated: 2024-11-18. Review status: criteria provided, single submitter. Criteria: Ambry Variant Classification Scheme 2023. Collection method: clinical testing. Allele origin: germline.

St. Jude Molecular Pathology, St. Jude Children's Research Hospital
Classification: Uncertain significance for Rothmund-Thomson syndrome type 2. Last evaluated: 2024-01-02. Review status: criteria provided, single submitter. Criteria: St. Jude Assertion Criteria 2020. Collection method: clinical testing. Allele origin: germline.
Comment: The RECQL4 c.1160G>T (p.Gly387Val) missense change has a maximum subpopulation frequency of 0.14% in gnomAD v2.1.1. In silico tools are inconclusive about a pathogenic or benign effect of this variant on protein function, and to our knowledge functional studies have not been performed. To our knowledge, this variant has not been reported in individuals with RECQL4-associated conditions. In summary, the evidence currently available is insufficient to determine the clinical significance of this variant. It has therefore been classified as of uncertain significance.

GeneDx
Classification: Uncertain significance. Last evaluated: 2023-05-03. Review status: criteria provided, single submitter. Criteria: GeneDx Variant Classification Process June 2021. Collection method: clinical testing. Allele origin: germline. Affected: yes.
Comment: Has not been previously published as pathogenic or benign in association with a RECQL4-related disorder to our knowledge, but was identified in an individual with a chondrosarcoma (Ballinger et al., 2016); In silico analysis supports that this missense variant has a deleterious effect on protein structure/function; This variant is associated with the following publications: (PMID: 27498913)

Genetic Services Laboratory, University of Chicago
Classification: Uncertain significance. Last evaluated: 2021-07-27. Review status: criteria provided, single submitter. Criteria: ACMG Guidelines, 2015. Collection method: clinical testing. Allele origin: germline. Affected: no.
Comment: DNA sequence analysis of the RECQL4 gene demonstrated a sequence change, c.1160G>T, in exon 6 results in an amino acid change, p.Gly387Val. This sequence change does not appear to have been previously described in individuals with RECQL4-related disorders and has also been described in the gnomAD database with a population frequency of 0.14% in the African subpopulation (dbSNP rs369815468). The p.Gly387Val change affects a highly conserved amino acid residue located in a domain of the RECQL4 protein that is not known to be functional. The p.Gly387Val substitution appears to be deleterious using several in-silico pathogenicity prediction tools (SIFT, PolyPhen2, Align GVGD). Due to these contrasting evidences and the lack of functional studies, the clinical significance of the p.Gly387Val change remains unknown at this time.

Breakthrough Genomics
Classification: Uncertain significance. Review status: criteria provided, single submitter. Criteria: ACMG Guidelines, 2015. Collection method: not provided. Allele origin: germline. Inheritance: Autosomal recessive inheritance. Affected: yes.

PreventionGenetics, part of Exact Sciences
Classification: Uncertain significance for RECQL4-related condition. Last evaluated: 2024-01-20. Review status: no assertion criteria provided. Collection method: clinical testing. Allele origin: germline. Not counted in ClinVar's aggregate classification.
Comment: The RECQL4 c.1160G>T variant is predicted to result in the amino acid substitution p.Gly387Val. To our knowledge, this variant has not been reported in the literature. This variant is reported in 0.14% of alleles in individuals of African descent in gnomAD and is interpreted as uncertain in ClinVar. Although we suspect that this variant may be benign, at this time, the clinical significance of this variant is uncertain due to the absence of conclusive functional and genetic evidence.

NM_004260.4(RECQL4):c.1160G>T (p.Gly387Val)

Gene: RECQL4 (RecQ like helicase 4; minus strand). Cytogenetic location: 8q24.3.
Variant type: single nucleotide variant.
Coding change: c.1160G>T on transcript NM_004260.4 (MANE Select); coding-DNA position 1160, G replaced by T.
Protein change: p.Gly387Val; replaces glycine 387 with valine.
Molecular consequence: missense variant.
Genome position (GRCh38, 1-based): chr8:144,515,862, C>A on the plus strand (G>T on the coding strand, the complement: RECQL4 is on the minus strand). VCF-style: chr8-144515862-C-A. GRCh37 (hg19) VCF-style: chr8-145741246-C-A.
Other names: short protein forms G387V.
Identifiers: ClinVar variation 406906 (VCV000406906.19), dbSNP rs369815468, ClinGen allele CA4949004.